The following is an entry in ClinVar:

NM_182641.4(BPTF):c.4443C>T (p.Ser1481=)

Gene: BPTF (bromodomain PHD finger transcription factor; plus strand). Cytogenetic location: 17q24.2.
Variant type: single nucleotide variant.
Coding change: c.4443C>T on transcript NM_182641.4 (MANE Select); coding-DNA position 4443, C replaced by T.
Protein change: p.Ser1481=; no amino-acid change (serine 1481 retained).
Molecular consequence: synonymous variant.
Genome position (GRCh38, 1-based): chr17:67,912,327, C>T. VCF-style: chr17-67912327-C-T. GRCh37 (hg19) VCF-style: chr17-65908443-C-T.
Other names: c.4821C>T, p.Ser1607= (NM_004459.7); c.4443C>T (NM_182641.3).
Identifiers: ClinVar variation 2648138 (VCV002648138.28), dbSNP rs774234393, ClinGen allele CA8725802.

ClinVar aggregate classification (germline): Likely benign. Review status: criteria provided, multiple submitters, no conflicts (2 of 4 stars). 4 submissions from 4 submitters: Likely benign (4). Last evaluated 2025-08-31.

Conditions:
Inborn genetic diseases. Identifiers: MedGen C0950123, MeSH D030342.

Allele frequency attached by ClinVar (database versions not stated): TOPMed below 0.00001; gnomAD 0.00001; ExAC 0.00002.
gnomAD v4.1: 20 of 1,613,564 alleles (0.0012%); highest among the groups gnomAD compares: Admixed American, 0.0017%; 1 homozygote.

Submissions (4):

Ambry Genetics
Classification: Likely benign for Inborn genetic diseases. Last evaluated: 2025-08-31. Review status: criteria provided, single submitter. Criteria: Ambry Variant Classification Scheme 2023. Collection method: clinical testing. Allele origin: germline.

Labcorp Genetics (formerly Invitae), Labcorp
Classification: Likely benign. Last evaluated: 2025-03-03. Review status: criteria provided, single submitter. Criteria: Invitae Variant Classification Sherloc (09022015). Collection method: clinical testing. Allele origin: germline.

Blueprint Genetics
Classification: Likely benign. Last evaluated: 2024-09-09. Review status: criteria provided, single submitter. Criteria: ACMG Guidelines, 2015. Collection method: clinical testing. Allele origin: germline.

CeGaT Center for Human Genetics Tuebingen
Classification: Likely benign. Last evaluated: 2024-05-01. Review status: criteria provided, single submitter. Criteria: CeGaT Center For Human Genetics Tuebingen Variant Classification Criteria Version 2. Collection method: clinical testing. Allele origin: germline. Affected: yes. Observed: 2 variant alleles.
Comment: BPTF: BP4, BP7